The following is an entry in ClinVar:

NM_000535.7(PMS2):c.1853T>C (p.Leu618Pro)

Gene: PMS2 (PMS1 homolog 2, mismatch repair system component; minus strand). Cytogenetic location: 7p22.1.
Variant type: single nucleotide variant.
Coding change: c.1853T>C on transcript NM_000535.7 (MANE Select); coding-DNA position 1853, T replaced by C.
Protein change: p.Leu618Pro; replaces leucine 618 with proline.
Molecular consequence: missense variant. On other transcripts: non-coding transcript variant (1).
Genome position (GRCh38, 1-based): chr7:5,986,912, A>G on the plus strand (T>C on the coding strand, the complement: PMS2 is on the minus strand). VCF-style: chr7-5986912-A-G. GRCh37 (hg19) VCF-style: chr7-6026543-A-G.
Other names: c.1280T>C, p.Leu427Pro (NM_001322013.2); c.1853T>C, p.Leu618Pro (NM_001322014.2); c.1544T>C, p.Leu515Pro (NM_001322015.2); c.1448T>C, p.Leu483Pro (NM_001322003.2, NM_001322004.2, NM_001322005.2 and 1 more transcripts); c.1697T>C, p.Leu566Pro (NM_001322006.2); c.1535T>C, p.Leu512Pro (NM_001322007.2, NM_001322008.2); c.1292T>C, p.Leu431Pro (NM_001322010.2); c.920T>C, p.Leu307Pro (NM_001322011.2, NM_001322012.2); short protein forms L307P, L431P, L512P, L515P, L566P, L483P, L618P, L427P.
Identifiers: ClinVar variation 650761 (VCV000650761.10), dbSNP rs63751253, ClinGen allele CA366739582.

ClinVar aggregate classification (germline): Uncertain significance. Review status: criteria provided, multiple submitters, no conflicts (2 of 4 stars). 3 submissions from 3 submitters: Uncertain significance (3). Last evaluated 2025-06-09.

Conditions:
Lynch syndrome. Identifiers: Orphanet 144, MedGen C4552100, MONDO:0005835. Disease mechanism: loss of function.
Hereditary cancer-predisposing syndrome. Also called: Neoplastic Syndromes, Hereditary; Tumor predisposition; Hereditary Cancer Syndrome; Hereditary neoplastic syndrome. Identifiers: Orphanet 140162, MedGen C0027672, MeSH D009386, MONDO:0015356.
Hereditary nonpolyposis colorectal neoplasms. Identifiers: MedGen C0009405, MeSH D003123.

Allele frequency attached by ClinVar (database versions not stated): gnomAD exomes below 0.00001.
gnomAD v4.1: 1 of 1,614,142 alleles (0.000062%); highest among the groups gnomAD compares: Non-Finnish European, 0.000085%; no homozygotes.

Submissions (3):

Labcorp Genetics (formerly Invitae), Labcorp
Classification: Uncertain significance for Hereditary nonpolyposis colorectal neoplasms. Last evaluated: 2025-06-09. Review status: criteria provided, single submitter. Criteria: Invitae Variant Classification Sherloc (09022015). Collection method: clinical testing. Allele origin: germline.
Comment: This sequence change replaces leucine, which is neutral and non-polar, with proline, which is neutral and non-polar, at codon 618 of the PMS2 protein (p.Leu618Pro). This variant is not present in population databases (gnomAD no frequency). This variant has not been reported in the literature in individuals affected with PMS2-related conditions. ClinVar contains an entry for this variant (Variation ID: 650761). Invitae Evidence Modeling of protein sequence and biophysical properties (such as structural, functional, and spatial information, amino acid conservation, physicochemical variation, residue mobility, and thermodynamic stability) indicates that this missense variant is expected to disrupt PMS2 protein function with a positive predictive value of 80%. Experimental studies have shown that this missense change affects PMS2 function (PMID: 35451539). In summary, the available evidence is currently insufficient to determine the role of this variant in disease. Therefore, it has been classified as a Variant of Uncertain Significance.

All of Us Research Program, National Institutes of Health
Classification: Uncertain significance for Lynch syndrome. Last evaluated: 2024-03-05. Review status: criteria provided, single submitter. Criteria: ACMG Guidelines, 2015. Collection method: clinical testing. Allele origin: germline. Inheritance: Autosomal dominant inheritance. Observed: 1 variant allele, 1 heterozygote.
Comment: This study involves interpretation of variants in research participants for the purpose of population health screening. Participant phenotype was not available at the time of variant classification. Additional details can be found in publication PMID: 35346344, PMCID: PMC8962531

Ambry Genetics
Classification: Uncertain significance for Hereditary cancer-predisposing syndrome. Last evaluated: 2023-08-01. Review status: criteria provided, single submitter. Criteria: Ambry Variant Classification Scheme 2023. Collection method: clinical testing. Allele origin: germline.
Comment: The p.L618P variant (also known as c.1853T>C), located in coding exon 11 of the PMS2 gene, results from a T to C substitution at nucleotide position 1853. The leucine at codon 618 is replaced by proline, an amino acid with similar properties. This amino acid position is well conserved in available vertebrate species. In addition, this alteration is predicted to be tolerated by in silico analysis. Since supporting evidence is limited at this time, the clinical significance of this alteration remains unclear.

Literature cited by the submitters: PubMed 35451539 (cited by Labcorp Genetics (formerly Invitae), Labcorp).